The following is an entry in ClinVar:

ClinVar aggregate classification (germline): Uncertain significance. Review status: criteria provided, multiple submitters, no conflicts (2 of 4 stars). 4 submissions from 4 submitters: Uncertain significance (4). Last evaluated 2025-03-31.

Conditions:
Familial thoracic aortic aneurysm and aortic dissection (TAAD). Also called: Thoracic aortic aneurysms and dissections. Identifiers: Orphanet 91387, MedGen C4707243, MONDO:0019625.
Megacystis-microcolon-intestinal hypoperistalsis syndrome 1. Identifiers: MedGen C5542316, MONDO:0100354, OMIM 249210.
Aortic aneurysm, familial thoracic 7 (AAT7). Also called: AORTIC DISSECTION, FAMILIAL, WITH OR WITHOUT AORTIC ANEURYSM. Identifiers: MedGen C3151077, MONDO:0013418, OMIM 613780.

Allele frequency attached by ClinVar (database versions not stated): gnomAD 0.00001; TOPMed 0.00001; gnomAD exomes 0.00002.
gnomAD v4.1: 13 of 1,614,024 alleles (0.00081%); highest among the groups gnomAD compares: Admixed American, 0.02%; no homozygotes.

Submissions (4):

Ambry Genetics
Classification: Uncertain significance for Familial thoracic aortic aneurysm and aortic dissection. Last evaluated: 2025-03-31. Review status: criteria provided, single submitter. Criteria: Ambry Variant Classification Scheme 2023. Collection method: clinical testing. Allele origin: germline.
Comment: The p.G54E variant (also known as c.161G>A), located in coding exon 1 of the MYLK gene, results from a G to A substitution at nucleotide position 161. The glycine at codon 54 is replaced by glutamic acid, an amino acid with some similar properties, and is located in the Ig-like C2-type 1 domain. This amino acid position is highly conserved in available vertebrate species. In addition, the in silico prediction for this alteration is inconclusive. Since supporting evidence is limited at this time, the clinical significance of this alteration remains unclear.

Labcorp Genetics (formerly Invitae), Labcorp
Classification: Uncertain significance for Aortic aneurysm, familial thoracic 7. Last evaluated: 2024-10-24. Review status: criteria provided, single submitter. Criteria: Invitae Variant Classification Sherloc (09022015). Collection method: clinical testing. Allele origin: germline.
Comment: This sequence change replaces glycine, which is neutral and non-polar, with glutamic acid, which is acidic and polar, at codon 54 of the MYLK protein (p.Gly54Glu). This variant is present in population databases (rs767453947, gnomAD 0.02%). This variant has not been reported in the literature in individuals affected with MYLK-related conditions. ClinVar contains an entry for this variant (Variation ID: 520009). Invitae Evidence Modeling of protein sequence and biophysical properties (such as structural, functional, and spatial information, amino acid conservation, physicochemical variation, residue mobility, and thermodynamic stability) indicates that this missense variant is not expected to disrupt MYLK protein function with a negative predictive value of 95%. In summary, the available evidence is currently insufficient to determine the role of this variant in disease. Therefore, it has been classified as a Variant of Uncertain Significance.

GeneDx
Classification: Uncertain significance. Last evaluated: 2022-06-22. Review status: criteria provided, single submitter. Criteria: GeneDx Variant Classification Process June 2021. Collection method: clinical testing. Allele origin: germline. Affected: yes.
Comment: In silico analysis supports that this missense variant does not alter protein structure/function; Has not been previously published as pathogenic or benign to our knowledge

Fulgent Genetics
Classification: Uncertain significance for Megacystis-microcolon-intestinal hypoperistalsis syndrome 1; Aortic aneurysm, familial thoracic 7. Last evaluated: 2021-09-06. Review status: criteria provided, single submitter. Criteria: ACMG Guidelines, 2015. Collection method: clinical testing. Allele origin: unknown.

NM_053025.4(MYLK):c.161G>A (p.Gly54Glu)

Genes: MYLK (myosin light chain kinase; minus strand), LOC126806792 (CDK7 strongly-dependent group 2 enhancer GRCh37_chr3:123511339-123512538; plus strand). Cytogenetic location: 3q21.1.
Variant type: single nucleotide variant.
Coding change: c.161G>A on transcript NM_053025.4 (MANE Select); coding-DNA position 161, G replaced by A.
Protein change: p.Gly54Glu; replaces glycine 54 with glutamic acid.
Molecular consequence: missense variant. On other transcripts: 5 prime UTR variant (1).
Genome position (GRCh38, 1-based): chr3:123,793,681, C>T on the plus strand (G>A on the coding strand, the complement: MYLK is on the minus strand). VCF-style: chr3-123793681-C-T. GRCh37 (hg19) VCF-style: chr3-123512528-C-T.
Other names: c.-160G>A (NM_001321309.2); c.161G>A, p.Gly54Glu (NM_053026.4, NM_053027.4, NM_053028.4); short protein forms G54E.
Identifiers: ClinVar variation 520009 (VCV000520009.15), dbSNP rs767453947, ClinGen allele CA067594.